The following is an entry in ClinVar:

ClinVar aggregate classification (germline): Likely benign. Review status: criteria provided, multiple submitters, no conflicts (2 of 4 stars). 3 submissions from 3 submitters: Likely benign (2). 1 of the submissions does not count toward it. Last evaluated 2024-10-18.

Conditions:
NLRP5-related disorder. Also called: NLRP5-related condition.

Allele frequency attached by ClinVar (database versions not stated): ESP Exome Variant Server 0.00008; 1000 Genomes Project 30x 0.00016; 1000 Genomes Project 0.00020; gnomAD 0.00026; TOPMed 0.00034; ExAC 0.00058.
gnomAD v4.1: 373 of 1,560,838 alleles (0.024%); highest among the groups gnomAD compares: Middle Eastern, 0.42%; 2 homozygotes.

Submissions (3):

Blueprint Genetics
Classification: Likely benign. Last evaluated: 2024-10-18. Review status: criteria provided, single submitter. Criteria: ACMG Guidelines, 2015. Collection method: clinical testing. Allele origin: germline.

Labcorp Genetics (formerly Invitae), Labcorp
Classification: Likely benign. Last evaluated: 2018-04-10. Review status: criteria provided, single submitter. Criteria: Invitae Variant Classification Sherloc (09022015). Collection method: clinical testing. Allele origin: germline.

PreventionGenetics, part of Exact Sciences
Classification: Likely benign for NLRP5-related condition. Last evaluated: 2019-08-12. Review status: no assertion criteria provided. Collection method: clinical testing. Allele origin: germline. Not counted in ClinVar's aggregate classification.
Comment: This variant is classified as likely benign based on ACMG/AMP sequence variant interpretation guidelines (Richards et al. 2015 PMID: 25741868, with internal and published modifications).

NM_001433705.1(NLRP5):c.690G>A (p.Thr230=)

Genes: NLRP5 (NLR family pyrin domain containing 5; plus strand), LOC126862935 (BRD4-independent group 4 enhancer GRCh37_chr19:56537936-56539135; plus strand). Cytogenetic location: 19q13.43.
Variant type: single nucleotide variant.
Coding change: c.690G>A on transcript NM_001433705.1 (MANE Select); coding-DNA position 690, G replaced by A.
Protein change: p.Thr230=; no amino-acid change (threonine 230 retained).
Molecular consequence: synonymous variant.
Genome position (GRCh38, 1-based): chr19:56,027,076, G>A. VCF-style: chr19-56027076-G-A. GRCh37 (hg19) VCF-style: chr19-56538442-G-A.
Other names: NM_153447.4:c.843G>A.
Identifiers: ClinVar variation 778871 (VCV000778871.6), dbSNP rs199500921, ClinGen allele CA9685372.
Genomic context (GRCh38, chr19:56,027,076, plus strand): 5'-GGAAATGCAAACGTTGGCTGGTGCTTTTGATTCAGACCGGTGGGGCTTCCGGCCTCGCAC[G>A]GTGGTTCTGCACGGAAAGTCAGGAATTGGGAAATCGGCTCTAGCCAGAAGGATCGTGCTG-3'
Protein context (NP_001420634.1, residues 220-240): DSDRWGFRPR[Thr230=]VVLHGKSGIG